The following is an entry in ClinVar:

NM_007294.4(BRCA1):c.5580C>A (p.His1860Gln)

Gene: BRCA1 (BRCA1 DNA repair associated; minus strand). Cytogenetic location: 17q21.31.
Variant type: single nucleotide variant.
Coding change: c.5580C>A on transcript NM_007294.4 (MANE Select); coding-DNA position 5580, C replaced by A.
Protein change: p.His1860Gln; replaces histidine 1860 with glutamine.
Molecular consequence: missense variant. On other transcripts: 3 prime UTR variant (1), non-coding transcript variant (1).
Genome position (GRCh38, 1-based): chr17:43,045,690, G>T on the plus strand (C>A on the coding strand, the complement: BRCA1 is on the minus strand). VCF-style: chr17-43045690-G-T. GRCh37 (hg19) VCF-style: chr17-41197707-G-T.
Other names: c.*94C>A (NM_007299.4, NM_001407854.1, NM_001407858.1 and 14 more transcripts); c.1740C>A, p.His580Gln (NM_001408513.1); c.1344C>A, p.His448Gln (NM_001408514.1); c.5439C>A, p.His1813Gln (NM_007297.4, NM_001407692.1, NM_001407694.1 and 12 more transcripts); c.2268C>A, p.His756Gln (NM_007298.4, NM_001407979.1, NM_001407980.1 and 11 more transcripts); c.5379C>A, p.His1793Gln (NM_001407862.1); c.5376C>A, p.His1792Gln (NM_001407863.1); c.5373C>A, p.His1791Gln (NM_001407874.1, NM_001407875.1); and 74 more; short protein forms H1563Q, H1706Q, H1732Q, H1733Q, H1749Q, H1770Q, H1788Q, H1855Q.
Identifiers: ClinVar variation 1748423 (VCV001748423.5), dbSNP rs1597796507, ClinGen allele CA10590167.

ClinVar aggregate classification (germline): Conflicting classifications of pathogenicity. Review status: criteria provided, conflicting classifications (1 of 4 stars). 2 submissions from 2 submitters: Uncertain significance (1); Likely benign (1). Last evaluated 2024-01-29.

Conditions:
Hereditary breast ovarian cancer syndrome. Also called: Hereditary breast and ovarian cancer; BRCA1- and BRCA2-Associated Hereditary Breast and Ovarian Cancer; Hereditary breast and ovarian cancer syndrome (HBOC); Hereditary breast and ovarian cancer syndrome; Breast and ovarian cancer; Hereditary breast and/or ovarian cancer syndrome. Identifiers: Orphanet 145, MedGen C0677776, MeSH D061325, MONDO:0003582. Disease mechanism: loss of function.
Hereditary cancer-predisposing syndrome. Also called: Hereditary Cancer Syndrome; Hereditary neoplastic syndrome; Neoplastic Syndromes, Hereditary; Tumor predisposition. Identifiers: Orphanet 140162, MedGen C0027672, MeSH D009386, MONDO:0015356.

Allele frequency attached by ClinVar (database versions not stated): gnomAD exomes below 0.00001.
gnomAD v4.1: 1 of 1,613,830 alleles (0.000062%); highest among the groups gnomAD compares: Non-Finnish European, 0.000085%; no homozygotes.

Submissions (2):

Labcorp Genetics (formerly Invitae), Labcorp
Classification: Uncertain significance for Hereditary breast ovarian cancer syndrome. Last evaluated: 2024-01-29. Review status: criteria provided, single submitter. Criteria: Invitae Variant Classification Sherloc (09022015). Collection method: clinical testing. Allele origin: germline.
Comment: This sequence change replaces histidine, which is basic and polar, with glutamine, which is neutral and polar, at codon 1860 of the BRCA1 protein (p.His1860Gln). This variant is not present in population databases (gnomAD no frequency). This missense change has been observed in individual(s) with pancreatic cancer (PMID: 25356972). ClinVar contains an entry for this variant (Variation ID: 1748423). Advanced modeling of protein sequence and biophysical properties (such as structural, functional, and spatial information, amino acid conservation, physicochemical variation, residue mobility, and thermodynamic stability) performed at Invitae indicates that this missense variant is not expected to disrupt BRCA1 protein function with a negative predictive value of 95%. In summary, the available evidence is currently insufficient to determine the role of this variant in disease. Therefore, it has been classified as a Variant of Uncertain Significance.

Ambry Genetics
Classification: Likely benign for Hereditary cancer-predisposing syndrome. Last evaluated: 2021-03-02. Review status: criteria provided, single submitter. Criteria: Ambry Variant Classification Scheme 2023. Collection method: clinical testing. Allele origin: germline.

Literature cited by the submitters: PubMed 25356972 (cited by Labcorp Genetics (formerly Invitae), Labcorp).